The following is an entry in ClinVar:

ClinVar aggregate classification (germline): Uncertain significance (1 of 4 stars; one submission).

Conditions:
GNAS-related disorder. Identifiers: MedGen CN380105.

gnomAD v4.1: 6 of 1,610,918 alleles (0.00037%); highest among the groups gnomAD compares: Non-Finnish European, 0.00051%; no homozygotes.

Submission:

PreventionGenetics, part of Exact Sciences
Classification: Uncertain significance for GNAS-related condition. Last evaluated: 2026-07-17. Review status: criteria provided, single submitter. Criteria: ACMG Guidelines, 2015. Collection method: clinical testing. Allele origin: germline.
Comment: The GNAS c.587C>T variant is predicted to result in the amino acid substitution p.Ser196Leu. To our knowledge, this variant has not been reported in the literature or in a large population database (gnomAD), indicating this variant is rare. In the commonly reported GNAS transcript, NM_000516, this variant corresponds to a pre-coding position (c.-37688C>T). At this time, the clinical significance of this variant is uncertain due to the absence of conclusive functional and genetic evidence.

NM_080425.4(GNAS):c.774C>T (p.Val258=)

Gene: GNAS (GNAS complex locus; plus strand). Cytogenetic location: 20q13.32.
Variant type: single nucleotide variant.
Coding change: c.774C>T on transcript NM_080425.4 (MANE Plus Clinical); coding-DNA position 774, C replaced by T.
Protein change: p.Val258=; no amino-acid change (valine 258 retained).
Molecular consequence: synonymous variant. On other transcripts: missense variant (2), intron variant (3).
Genome position (GRCh38, 1-based): chr20:58,854,039, C>T. VCF-style: chr20-58854039-C-T. GRCh37 (hg19) VCF-style: chr20-57429094-C-T.
Other names: c.587C>T, p.Ser196Leu (NM_001077490.3, NM_001309883.1); c.774C>T, p.Val258= (NM_001410913.1); c.*42+13153C>T (NM_016592.5); c.43+13153C>T (NM_001410912.1); c.-39+12164C>T (NM_001309861.2); short protein forms S196L.
Identifiers: ClinVar variation 4983916 (VCV004983916.1).